The following is an entry in ClinVar:

NM_004136.4(IREB2):c.2240G>A (p.Gly747Glu)

Gene: IREB2 (iron responsive element binding protein 2; plus strand). Cytogenetic location: 15q25.1.
Variant type: single nucleotide variant.
Coding change: c.2240G>A on transcript NM_004136.4 (MANE Select); coding-DNA position 2240, G replaced by A.
Protein change: p.Gly747Glu; replaces glycine 747 with glutamic acid.
Molecular consequence: missense variant.
Genome position (GRCh38, 1-based): chr15:78,490,677, G>A. VCF-style: chr15-78490677-G-A. GRCh37 (hg19) VCF-style: chr15-78783019-G-A.
Other names: c.1490G>A, p.Gly497Glu (NM_001320941.2); c.2069G>A, p.Gly690Glu (NM_001320942.2, NM_001354994.2); c.2240G>A (NM_004136.3); short protein forms G497E, G690E, G747E.
Identifiers: ClinVar variation 1620738 (VCV001620738.32), dbSNP rs139092247, ClinGen allele CA7683197.

ClinVar aggregate classification (germline): Benign/Likely benign. Review status: criteria provided, multiple submitters, no conflicts (2 of 4 stars). 4 submissions from 4 submitters: Benign (2); Likely benign (1). 1 of the submissions does not count toward it. Last evaluated 2025-12-23.

Conditions:
IREB2-related disorder. Also called: IREB2-related condition.

Allele frequency attached by ClinVar (database versions not stated): 1000 Genomes Project 0.00140; 1000 Genomes Project 30x 0.00156; TOPMed 0.00218; gnomAD 0.00219 and 0.00224; ESP Exome Variant Server 0.00231; ExAC 0.00239; gnomAD exomes 0.00239 and 0.00256.
gnomAD v4.1: 3,862 of 1,614,018 alleles (0.24%); highest among the groups gnomAD compares: Middle Eastern, 0.89%; 12 homozygotes.

Submissions (4):

Labcorp Genetics (formerly Invitae), Labcorp
Classification: Benign. Last evaluated: 2025-12-23. Review status: criteria provided, single submitter. Criteria: Invitae Variant Classification Sherloc (09022015). Collection method: clinical testing. Allele origin: germline.

CeGaT Center for Human Genetics Tuebingen
Classification: Likely benign. Last evaluated: 2024-02-01. Review status: criteria provided, single submitter. Criteria: CeGaT Center For Human Genetics Tuebingen Variant Classification Criteria Version 2. Collection method: clinical testing. Allele origin: germline. Affected: yes. Observed: 1 variant allele.
Comment: IREB2: BS2

Breakthrough Genomics
Classification: Benign. Review status: criteria provided, single submitter. Criteria: ACMG Guidelines, 2015. Collection method: not provided. Allele origin: germline. Inheritance: Autosomal recessive inheritance. Affected: yes.

PreventionGenetics, part of Exact Sciences
Classification: Benign for IREB2-related condition. Last evaluated: 2019-11-20. Review status: no assertion criteria provided. Collection method: clinical testing. Allele origin: germline. Not counted in ClinVar's aggregate classification.
Comment: This variant is classified as benign based on ACMG/AMP sequence variant interpretation guidelines (Richards et al. 2015 PMID: 25741868, with internal and published modifications).